The following is an entry in ClinVar:

ClinVar aggregate classification (germline): Uncertain significance. Review status: criteria provided, multiple submitters, no conflicts (2 of 4 stars). 3 submissions from 3 submitters: Uncertain significance (3). Last evaluated 2025-11-24.

Conditions:
Hereditary cancer-predisposing syndrome. Also called: Hereditary neoplastic syndrome; Neoplastic Syndromes, Hereditary; Tumor predisposition; Hereditary Cancer Syndrome. Identifiers: Orphanet 140162, MedGen C0027672, MeSH D009386, MONDO:0015356.
Multiple endocrine neoplasia, type 2 (MEN2). Identifiers: Orphanet 653, MedGen C4048306, MONDO:0019003. Disease mechanism: gain of function.

gnomAD v4.1: 1 of 1,509,480 alleles (0.000066%); highest among the groups gnomAD compares: Non-Finnish European, 0.000088%; no homozygotes.

Submissions (3):

Ambry Genetics
Classification: Uncertain significance for Hereditary cancer-predisposing syndrome. Last evaluated: 2025-11-24. Review status: criteria provided, single submitter. Criteria: Ambry Variant Classification Scheme 2023. Collection method: clinical testing. Allele origin: germline.
Comment: The p.G10E variant (also known as c.29G>A), located in coding exon 1 of the RET gene, results from a G to A substitution at nucleotide position 29. The glycine at codon 10 is replaced by glutamic acid, an amino acid with similar properties. This amino acid position is highly conserved in available vertebrate species. In addition, the in silico prediction for this alteration is inconclusive. Since supporting evidence is limited at this time, the clinical significance of this alteration remains unclear.

All of Us Research Program, National Institutes of Health
Classification: Uncertain significance for Multiple endocrine neoplasia, type 2. Last evaluated: 2023-11-02. Review status: criteria provided, single submitter. Criteria: ACMG Guidelines, 2015. Collection method: clinical testing. Allele origin: germline. Inheritance: Autosomal dominant inheritance. Observed: 1 variant allele, 1 heterozygote.
Comment: This missense variant replaces glycine with glutamic acid at codon 10 of the RET protein. Computational prediction suggests that this variant may not impact protein structure and function (internally defined REVEL score threshold <= 0.5, PMID: 27666373). To our knowledge, functional studies have not been reported for this variant. This variant has not been reported in individuals affected with RET-related disorders in the literature. This variant has not been identified in the general population by the Genome Aggregation Database (gnomAD). The available evidence is insufficient to determine the role of this variant in disease conclusively. Therefore, this variant is classified as a Variant of Uncertain Significance.

This study involves interpretation of variants in research participants for the purpose of population health screening. Participant phenotype was not available at the time of variant classification. Additional details can be found in publication PMID: 35346344, PMCID: PMC8962531

Labcorp Genetics (formerly Invitae), Labcorp
Classification: Uncertain significance for Multiple endocrine neoplasia, type 2. Last evaluated: 2023-05-10. Review status: criteria provided, single submitter. Criteria: Invitae Variant Classification Sherloc (09022015). Collection method: clinical testing. Allele origin: germline.
Comment: In summary, the available evidence is currently insufficient to determine the role of this variant in disease. Therefore, it has been classified as a Variant of Uncertain Significance. An algorithm developed to predict the effect of missense changes on protein structure and function (PolyPhen-2) suggests that this variant¬† is likely to be tolerated. ClinVar contains an entry for this variant (Variation ID: 1035794). This variant has not been reported in the literature in individuals affected with RET-related conditions. This variant is not present in population databases (gnomAD no frequency). This sequence change replaces glycine, which is neutral and non-polar, with glutamic acid, which is acidic and polar, at codon 10 of the RET protein (p.Gly10Glu).

NM_020975.6(RET):c.29G>A (p.Gly10Glu)

Genes: RET (ret proto-oncogene; plus strand), LOC106736614 (RET 5' regulatory region; plus strand). Cytogenetic location: 10q11.21.
Variant type: single nucleotide variant.
Coding change: c.29G>A on transcript NM_020975.6 (MANE Select); coding-DNA position 29, G replaced by A.
Protein change: p.Gly10Glu; replaces glycine 10 with glutamic acid.
Molecular consequence: missense variant.
Genome position (GRCh38, 1-based): chr10:43,077,287, G>A. VCF-style: chr10-43077287-G-A. GRCh37 (hg19) VCF-style: chr10-43572735-G-A.
Other names: c.29G>A, p.Gly10Glu (NM_000323.2, NM_001406743.1, NM_001406744.1 and 38 more transcripts); short protein forms G10E.
Identifiers: ClinVar variation 1035794 (VCV001035794.12), dbSNP rs1303812507, ClinGen allele CA376768053.